The following is an entry in ClinVar:

NM_018136.5(ASPM):c.4691G>A (p.Cys1564Tyr)

Gene: ASPM (assembly factor for spindle microtubules; minus strand). Cytogenetic location: 1q31.3.
Variant type: single nucleotide variant.
Coding change: c.4691G>A on transcript NM_018136.5 (MANE Select); coding-DNA position 4691, G replaced by A.
Protein change: p.Cys1564Tyr; replaces cysteine 1564 with tyrosine.
Molecular consequence: missense variant. On other transcripts: intron variant (1).
Genome position (GRCh38, 1-based): chr1:197,104,560, C>T on the plus strand (G>A on the coding strand, the complement: ASPM is on the minus strand). VCF-style: chr1-197104560-C-T. GRCh37 (hg19) VCF-style: chr1-197073690-C-T.
Other names: c.4066-8396G>A (NM_001206846.2); short protein forms C1564Y.
Identifiers: ClinVar variation 2092066 (VCV002092066.4), dbSNP rs375940182, ClinGen allele CA344029135.

ClinVar aggregate classification (germline): Uncertain significance (1 of 4 stars; one submission).

gnomAD v4.1: 1 of 1,612,860 alleles (0.000062%); highest among the groups gnomAD compares: Non-Finnish European, 0.000085%; no homozygotes.

Submission:

Labcorp Genetics (formerly Invitae), Labcorp
Classification: Uncertain significance. Last evaluated: 2023-08-04. Review status: criteria provided, single submitter. Criteria: Invitae Variant Classification Sherloc (09022015). Collection method: clinical testing. Allele origin: germline.
Comment: In summary, the available evidence is currently insufficient to determine the role of this variant in disease. Therefore, it has been classified as a Variant of Uncertain Significance. This variant has not been reported in the literature in individuals affected with ASPM-related conditions. ClinVar contains an entry for this variant (Variation ID: 2092066). Advanced modeling of protein sequence and biophysical properties (such as structural, functional, and spatial information, amino acid conservation, physicochemical variation, residue mobility, and thermodynamic stability) performed at Invitae indicates that this missense variant is not expected to disrupt ASPM protein function. This sequence change replaces cysteine, which is neutral and slightly polar, with tyrosine, which is neutral and polar, at codon 1564 of the ASPM protein (p.Cys1564Tyr). This variant is not present in population databases (gnomAD no frequency).